The following is an entry in ClinVar:

ClinVar aggregate classification (germline): Uncertain significance (1 of 4 stars; one submission).

Submission:

GeneDx
Classification: Uncertain significance. Last evaluated: 2024-12-27. Review status: criteria provided, single submitter. Criteria: GeneDx Variant Classification Process June 2021. Collection method: clinical testing. Allele origin: germline. Affected: yes.
Comment: Not observed at significant frequency in large population cohorts (gnomAD); In silico analysis supports that this missense variant has a deleterious effect on protein structure/function; Has not been previously published as pathogenic or benign to our knowledge

NM_052867.4(NALCN):c.3481G>A (p.Glu1161Lys)

Gene: NALCN (sodium leak channel, non-selective; minus strand). Cytogenetic location: 13q32.3.
Variant type: single nucleotide variant.
Coding change: c.3481G>A on transcript NM_052867.4 (MANE Select); coding-DNA position 3481, G replaced by A.
Protein change: p.Glu1161Lys; replaces glutamic acid 1161 with lysine.
Molecular consequence: missense variant.
Genome position (GRCh38, 1-based): chr13:101,089,671, C>T on the plus strand (G>A on the coding strand, the complement: NALCN is on the minus strand). VCF-style: chr13-101089671-C-T. GRCh37 (hg19) VCF-style: chr13-101742022-C-T.
Other names: c.3568G>A, p.Glu1190Lys (NM_001350748.2); c.3481G>A, p.Glu1161Lys (NM_001350749.2); c.3394G>A, p.Glu1132Lys (NM_001350750.2, NM_001350751.2); short protein forms E1132K, E1161K, E1190K.
Identifiers: ClinVar variation 4055917 (VCV004055917.1).